The following is an entry in ClinVar:

NM_000051.4(ATM):c.5899A>G (p.Met1967Val)

Genes: ATM (ATM serine/threonine kinase; plus strand), C11orf65 (chromosome 11 open reading frame 65; minus strand). Cytogenetic location: 11q22.3.
Variant type: single nucleotide variant.
Coding change: c.5899A>G on transcript NM_000051.4 (MANE Select); coding-DNA position 5899, A replaced by G.
Protein change: p.Met1967Val; replaces methionine 1967 with valine.
Molecular consequence: missense variant. On other transcripts: intron variant (2).
Genome position (GRCh38, 1-based): chr11:108,310,296, A>G. VCF-style: chr11-108310296-A-G. GRCh37 (hg19) VCF-style: chr11-108181023-A-G.
Other names: c.5899A>G, p.Met1967Val (NM_001351834.2); c.641-1225T>C (NM_001330368.2); c.*39-1225T>C (NM_001351110.2); short protein forms M1967V.
Identifiers: ClinVar variation 407470 (VCV000407470.28), dbSNP rs1060501541, ClinGen allele CA16613393.

ClinVar aggregate classification (germline): Conflicting classifications of pathogenicity. Review status: criteria provided, conflicting classifications (1 of 4 stars). 5 submissions from 5 submitters: Uncertain significance (3); Likely benign (1). 1 of the submissions does not count toward it. Last evaluated 2025-11-21.

Conditions:
Hereditary cancer-predisposing syndrome. Also called: Neoplastic Syndromes, Hereditary; Hereditary Cancer Syndrome; Tumor predisposition; Hereditary neoplastic syndrome. Identifiers: Orphanet 140162, MedGen C0027672, MeSH D009386, MONDO:0015356.
Ataxia-telangiectasia syndrome (AT). Also called: LOUIS-BAR SYNDROME; Cerebello-oculocutaneous telangiectasia; Immunodeficiency with ataxia telangiectasia; Ataxia-telangiectasia, complementation group D; AT, COMPLEMENTATION GROUP C; Ataxia-telangiectasia, complementation group E. Identifiers: Orphanet 100, MedGen C0004135, MONDO:0008840, OMIM 208900.

Allele frequency attached by ClinVar (database versions not stated): gnomAD exomes below 0.00001.
gnomAD v4.1: 1 of 1,613,410 alleles (0.000062%); highest among the groups gnomAD compares: Non-Finnish European, 0.000085%; no homozygotes.

Submissions (5):

Labcorp Genetics (formerly Invitae), Labcorp
Classification: Uncertain significance for Ataxia-telangiectasia syndrome. Last evaluated: 2025-11-21. Review status: criteria provided, single submitter. Criteria: Invitae Variant Classification Sherloc (09022015). Collection method: clinical testing. Allele origin: germline.
Comment: This sequence change replaces methionine, which is neutral and non-polar, with valine, which is neutral and non-polar, at codon 1967 of the ATM protein (p.Met1967Val). This variant is not present in population databases (gnomAD no frequency). This variant has not been reported in the literature in individuals affected with ATM-related conditions. ClinVar contains an entry for this variant (Variation ID: 407470). Invitae Evidence Modeling of protein sequence and biophysical properties (such as structural, functional, and spatial information, amino acid conservation, physicochemical variation, residue mobility, and thermodynamic stability) indicates that this missense variant is not expected to disrupt ATM protein function with a negative predictive value of 95%. In summary, the available evidence is currently insufficient to determine the role of this variant in disease. Therefore, it has been classified as a Variant of Uncertain Significance.

Ambry Genetics
Classification: Likely benign for Hereditary cancer-predisposing syndrome. Last evaluated: 2025-04-16. Review status: criteria provided, single submitter. Criteria: Ambry Variant Classification Scheme 2023. Collection method: clinical testing. Allele origin: germline.

Color Diagnostics, LLC DBA Color Health
Classification: Uncertain significance for Hereditary cancer-predisposing syndrome. Last evaluated: 2021-11-16. Review status: criteria provided, single submitter. Criteria: ACMG Guidelines, 2015. Collection method: clinical testing. Allele origin: germline.
Comment: This missense variant replaces methionine with valine at codon 1967 of the ATM protein. Computational prediction suggests that this variant may not impact protein structure and function (internally defined REVEL score threshold <= 0.5, PMID: 27666373). To our knowledge, functional studies have not been reported for this variant. This variant has not been reported in individuals affected with hereditary cancer in the literature. In a large international case-control study, this variant was reported in 0/60466 breast cancer cases and 1/53460 controls (PMID: 33471991). This variant has not been identified in the general population by the Genome Aggregation Database (gnomAD). The available evidence is insufficient to determine the role of this variant in disease conclusively. Therefore, this variant is classified as a Variant of Uncertain Significance.

Mendelics
Classification: Uncertain significance for Ataxia-telangiectasia syndrome. Last evaluated: 2019-05-28. Review status: criteria provided, single submitter. Criteria: Mendelics Assertion Criteria 2017. Collection method: clinical testing. Allele origin: unknown.

Natera, Inc.
Classification: Uncertain significance for Ataxia-telangiectasia. Last evaluated: 2021-07-26. Review status: no assertion criteria provided. Collection method: clinical testing. Allele origin: germline. Not counted in ClinVar's aggregate classification.

Literature cited by the submitters: PubMed 33471991 (cited by Color Diagnostics, LLC DBA Color Health).